The following is an entry in ClinVar:

ClinVar aggregate classification (germline): Conflicting classifications of pathogenicity. Review status: criteria provided, conflicting classifications (1 of 4 stars). 12 submissions from 12 submitters: Pathogenic (1); Uncertain significance (2); Benign (5); Likely benign (1). 3 of the submissions do not count toward it. Last evaluated 2026-06-15.

Conditions:
Hypocholesterolemia. Identifiers: MedGen C0151718, HP:0003146.
Cardiovascular phenotype. Identifiers: MedGen CN230736.
PCSK9-related disorder. Also called: PCSK9-related condition; PCSK9-related disorders.
Familial hypercholesterolemia. Also called: Familial hypercholesterolaemia; Familial hypercholesterolemias. Identifiers: MedGen C0020445, MONDO:0005439.
Low density lipoprotein cholesterol level quantitative trait locus 1 (LDLCQ1). Identifiers: MedGen C3276239.
Hypercholesterolemia, autosomal dominant, 3 (FHCL3). Also called: Familial hypercholesterolemia 3; PCSK9-Related Familial Hypercholesterolemia, Autosomal Dominant; Familial Hypercholesterolemia, Autosomal Dominant, 3. Identifiers: MedGen C1863551, MONDO:0011369, OMIM 603776.

Allele frequency attached by ClinVar (database versions not stated): gnomAD exomes 0.00056; 1000 Genomes Project 0.00220; 1000 Genomes Project 30x 0.00234; gnomAD 0.00240 and 0.00262; TOPMed 0.00255.
gnomAD v4.1: 716 of 1,613,110 alleles (0.044%); highest among the groups gnomAD compares: African/African-American, 0.88%; 4 homozygotes.

Submissions (12):

Women's Health and Genetics/Laboratory Corporation of America, LabCorp
Classification: Benign. Last evaluated: 2026-06-15. Review status: criteria provided, single submitter. Criteria: LabCorp Variant Classification Summary - May 2015. Collection method: clinical testing. Allele origin: germline.
Comment: Variant summary: PCSK9 c.2037C>A (p.Cys679X) results in a premature termination codon, predicted to cause a truncation of the encoded protein or absence of the protein due to nonsense mediated decay, however current evidence is not sufficient to establish loss of function as a mechanism for disease. The variant allele was found at a frequency of 0.00056 in 248284 control chromosomes, predominantly at a frequency of 0.008 within the African or African-American subpopulation in the gnomAD database, including 1 homozygotes. The observed variant frequency within African or African-American control individuals in the gnomAD database exceeds the estimated maximal expected allele frequency for disease-causing variants in PCSK9. c.2037C>A has been reported in the literature in individuals affected with Hyporcholesterolemia (Cohen_2005), which may associate with other symptoms (PMID 20626336). However, this variant is likely to confer protection against coronary artery disease due to its LDLC reducing effect (PMID 24507774). At least one publication reports experimental evidence evaluating an impact on protein function, finding that the variant resulted in a loss of PCSK9 secretion (Benjannet_2012), however gain of function has been established for PCSK9 related Hypercholesterolemia and Hypocholesterolemia has not been evaluated as a disease condition. The following publications have been ascertained in the context of this evaluation (PMID: 15654334, 22875854). ClinVar contains an entry for this variant (Variation ID: 2877). Based on the evidence outlined above, the variant was classified as benign.

Labcorp Genetics (formerly Invitae), Labcorp
Classification: Benign for Hypercholesterolemia, autosomal dominant, 3. Last evaluated: 2025-11-23. Review status: criteria provided, single submitter. Criteria: Invitae Variant Classification Sherloc (09022015). Collection method: clinical testing. Allele origin: germline.

Quest Diagnostics Nichols Institute San Juan Capistrano
Classification: Benign. Last evaluated: 2025-04-11. Review status: criteria provided, single submitter. Criteria: Quest Diagnostics criteria. Collection method: clinical testing. Allele origin: unknown.

Blueprint Genetics
Classification: Likely benign. Last evaluated: 2024-04-22. Review status: criteria provided, single submitter. Criteria: ACMG Guidelines, 2015. Collection method: clinical testing. Allele origin: germline.

Ambry Genetics
Classification: Benign for Cardiovascular phenotype. Last evaluated: 2024-04-06. Review status: criteria provided, single submitter. Criteria: Ambry Variant Classification Scheme 2023. Collection method: clinical testing. Allele origin: germline.

GeneDx
Classification: Uncertain significance. Last evaluated: 2023-05-02. Review status: criteria provided, single submitter. Criteria: GeneDx Variant Classification Process June 2021. Collection method: clinical testing. Allele origin: germline. Affected: yes.
Comment: Identified at a high frequency in individuals of African ancestry and results in a significant reduction in plasma levels of LDL-C (Cohen et al., 2005; Hooper et al., 2007; Huang et al., 2009); Functional studies show that the p.(C679*) variant results in impaired PCSK9 secretion (Lakosi et al., 2009; Benjannet et al., 2012); individuals who harbor this variant have a significant reduction in plasma levels of LDL-C (Cohen et al., 2005; Hooper et al., 2007; Huang et al., 2009); Nonsense variant predicted to result in protein truncation as the last 14 amino acids are lost, although loss-of-function variants have not been reported downstream of this position in the protein; This variant is associated with the following publications: (PMID: 16989838, 30227170, 24507774, 20031607, 27602404, 22875854, 30899674, 33111339, 17461796, 35056760, 34428338, 33207932, 16912035, 35546142, 35859178, 32948841, 36196022, 34340953, 33866776, 28768753, 16465619, 16554528, 18652535, 17599443, 16909389, 30726226, 33563358, 34070931, 34376796, 34606887, 34782856, 35323658, 35323699, 33647772, Pham2021, 19351729, 15654334)

Mayo Clinic Laboratories, Mayo Clinic
Classification: Pathogenic. Last evaluated: 2022-08-11. Review status: criteria provided, single submitter. Criteria: ACMG Guidelines, 2015. Collection method: clinical testing. Allele origin: germline. Observed: 2 variant alleles.

New York Genome Center
Classification: Uncertain significance for Hypercholesterolemia, autosomal dominant, 3. Last evaluated: 2022-03-14. Review status: criteria provided, single submitter. Criteria: NYGC Assertion Criteria 2020. Collection method: clinical testing. Allele origin: germline. Observed: 1 heterozygote.

Color Diagnostics, LLC DBA Color Health
Classification: Benign for Familial hypercholesterolemia. Last evaluated: 2022-01-01. Review status: criteria provided, single submitter. Criteria: ACMG Guidelines, 2015. Collection method: clinical testing. Allele origin: germline.

PreventionGenetics, part of Exact Sciences
Classification: Uncertain significance for PCSK9-related condition. Last evaluated: 2024-03-08. Review status: no assertion criteria provided. Collection method: clinical testing. Allele origin: germline. Not counted in ClinVar's aggregate classification.
Comment: The PCSK9 c.2037C>A variant is predicted to result in premature protein termination (p.Cys679*). This variant is located in the terminal exon of the PCSK9 gene, predicted to truncate the final 14 amino acids, and is therefore not predicted to result in nonsense mediated decay. This variant has been observed in the heterozygous state in individuals with low LDL (Cohen et al. 2005. PubMed ID: 15654334; Lakoski et al. 2009. PubMed ID: 19351729). Functional studies found this variant results in impaired secretion and lower plasma PCSK9 levels (Benjannet et al. 2006. PubMed ID: 16912035; Lakoski et al. 2009. PubMed ID: 19351729). This variant is reported in 0.80% of alleles in individuals of African descent including 1 homozygote in gnomAD. In ClinVar, this variant has conflicting interpretations of benign, uncertain significance, and pathogenic. At this time, the clinical significance of this variant is uncertain due to the absence of conclusive functional and genetic evidence.

OMIM
Classification: association for LOW DENSITY LIPOPROTEIN CHOLESTEROL LEVEL QUANTITATIVE TRAIT LOCUS 1. Last evaluated: 2006-03-23. Review status: no assertion criteria provided. Collection method: literature only. Allele origin: germline. Not counted in ClinVar's aggregate classification.

Laboratorium voor Moleculaire Diagnostiek Experimentele Vasculaire Geneeskunde, Academisch Medisch Centrum
Classification: Pathogenic for Hypocholesterolemia. Review status: no assertion criteria provided. Collection method: research. Allele origin: germline. Not counted in ClinVar's aggregate classification.

Literature cited by the submitters: PubMed 15654334 (cited by 4 submitters); PubMed 22875854 (cited by 3 submitters); PubMed 16554528 (cited by 3 submitters); PubMed 19351729 (cited by Quest Diagnostics Nichols Institute San Juan Capistrano and Ambry Genetics); PubMed 20031607 (cited by Quest Diagnostics Nichols Institute San Juan Capistrano and Ambry Genetics); PubMed 24507774 (cited by 3 submitters); PubMed 30899674 (cited by Quest Diagnostics Nichols Institute San Juan Capistrano); PubMed 28768753 (cited by Quest Diagnostics Nichols Institute San Juan Capistrano and Ambry Genetics); PubMed 30726226 (cited by Quest Diagnostics Nichols Institute San Juan Capistrano); PubMed 37794188 (cited by Quest Diagnostics Nichols Institute San Juan Capistrano); PubMed 16912035 (cited by Quest Diagnostics Nichols Institute San Juan Capistrano); PubMed 16909389 (cited by Quest Diagnostics Nichols Institute San Juan Capistrano and Ambry Genetics); PubMed 16465619 (cited by Ambry Genetics); PubMed 16989838 (cited by Ambry Genetics); PubMed 18652535 (cited by Ambry Genetics); PubMed 22344438 (cited by Ambry Genetics); PubMed 23726366 (cited by Ambry Genetics); PubMed 27602404 (cited by Ambry Genetics); PubMed 31217584 (cited by Mayo Clinic Laboratories, Mayo Clinic); PubMed 32226016 (cited by Mayo Clinic Laboratories, Mayo Clinic).

NM_174936.4(PCSK9):c.2037C>A (p.Cys679Ter)

Gene: PCSK9 (proprotein convertase subtilisin/kexin type 9; plus strand). Cytogenetic location: 1p32.3.
Variant type: single nucleotide variant.
Coding change: c.2037C>A on transcript NM_174936.4 (MANE Select); coding-DNA position 2037, C replaced by A.
Protein change: p.Cys679Ter; replaces cysteine 679 with a stop codon.
Molecular consequence: nonsense.
Genome position (GRCh38, 1-based): chr1:55,063,542, C>A. VCF-style: chr1-55063542-C-A. GRCh37 (hg19) VCF-style: chr1-55529215-C-A.
Other names: c.2160C>A, p.Cys720Ter (NM_001407240.1); c.2079C>A, p.Cys693Ter (NM_001407241.1); c.2040C>A, p.Cys680Ter (NM_001407242.1); c.1980C>A, p.Cys660Ter (NM_001407243.1); c.1863C>A, p.Cys621Ter (NM_001407244.1); c.1845C>A, p.Cys615Ter (NM_001407245.1); c.1662C>A, p.Cys554Ter (NM_001407246.1); c.1536C>A, p.Cys512Ter (NM_001407247.1); short protein forms C679*, C512*, C554*, C621*, C660*, C615*, C693*, C680*.
Identifiers: ClinVar variation 2877 (VCV000002877.39), dbSNP rs28362286, ClinGen allele CA023143.